The following is an entry in ClinVar:

NM_173630.4(RTTN):c.1930-14A>G

Gene: RTTN (rotatin; minus strand). Cytogenetic location: 18q22.2.
Variant type: single nucleotide variant.
Coding change: c.1930-14A>G on transcript NM_173630.4 (MANE Select); 14 bases into the intron before coding-DNA position 1930, A replaced by G.
Molecular consequence: intron variant.
Genome position (GRCh38, 1-based): chr18:70,150,747, T>C on the plus strand (A>G on the coding strand, the complement: RTTN is on the minus strand). VCF-style: chr18-70150747-T-C. GRCh37 (hg19) VCF-style: chr18-67817983-T-C.
Other names: c.-718-14A>G (NM_001318520.2).
Identifiers: ClinVar variation 3690113 (VCV003690113.2).

ClinVar aggregate classification (germline): Uncertain significance (1 of 4 stars; one submission).

gnomAD v4.1: 4 of 1,544,050 alleles (0.00026%); highest among the groups gnomAD compares: African/African-American, 0.0042%; no homozygotes.

Submission:

Labcorp Genetics (formerly Invitae), Labcorp
Classification: Uncertain significance. Last evaluated: 2024-12-04. Review status: criteria provided, single submitter. Criteria: Invitae Variant Classification Sherloc (09022015). Collection method: clinical testing. Allele origin: germline.
Comment: This sequence change falls in intron 14 of the RTTN gene. It does not directly change the encoded amino acid sequence of the RTTN protein. This variant is not present in population databases (gnomAD no frequency). This variant has not been reported in the literature in individuals affected with RTTN-related conditions. Algorithms developed to predict the effect of sequence changes on RNA splicing suggest that this variant may disrupt the consensus splice site. In summary, the available evidence is currently insufficient to determine the role of this variant in disease. Therefore, it has been classified as a Variant of Uncertain Significance.